The following is an entry in ClinVar:

NM_006070.6(TFG):c.721+269G>C

Gene: TFG (trafficking from ER to golgi regulator; plus strand). Cytogenetic location: 3q12.2.
Variant type: single nucleotide variant.
Coding change: c.721+269G>C on transcript NM_006070.6 (MANE Select); 269 bases into the intron after coding-DNA position 721, G replaced by C.
Molecular consequence: intron variant.
Genome position (GRCh38, 1-based): chr3:100,736,985, G>C. VCF-style: chr3-100736985-G-C. GRCh37 (hg19) VCF-style: chr3-100455829-G-C.
Other names: c.721+269G>C (NM_001007565.2, NM_001195478.2); c.709+281G>C (NM_001195479.2).
Identifiers: ClinVar variation 673632 (VCV000673632.1), dbSNP rs114269876, ClinGen allele CA79704870.

ClinVar aggregate classification (germline): Benign (1 of 4 stars; one submission).

Allele frequency attached by ClinVar (database versions not stated): gnomAD 0.03210 and 0.03002; 1000 Genomes Project 0.03215; TOPMed 0.03299; 1000 Genomes Project 30x 0.03373.
gnomAD v4.1: 4,524 of 152,268 alleles (3%); highest among the groups gnomAD compares: African/African-American, 9.2%; 182 homozygotes.

Submission:

GeneDx
Classification: Benign. Last evaluated: 2018-06-16. Review status: criteria provided, single submitter. Criteria: GeneDx Variant Classification (06012015). Collection method: clinical testing. Allele origin: germline. Affected: yes.
Comment: This variant is considered likely benign or benign based on one or more of the following criteria: it is a conservative change, it occurs at a poorly conserved position in the protein, it is predicted to be benign by multiple in silico algorithms, and/or has population frequency not consistent with disease.